The following is an entry in ClinVar:

NM_173354.5(SIK1):c.1119+85T>C

Gene: SIK1 (salt inducible kinase 1; minus strand). Cytogenetic location: 21q22.3.
Variant type: single nucleotide variant.
Coding change: c.1119+85T>C on transcript NM_173354.5 (MANE Select); 85 bases into the intron after coding-DNA position 1119, T replaced by C.
Molecular consequence: intron variant.
Genome position (GRCh38, 1-based): chr21:43,419,774, A>G on the plus strand (T>C on the coding strand, the complement: SIK1 is on the minus strand). VCF-style: chr21-43419774-A-G. GRCh37 (hg19) VCF-style: chr21-44839654-A-G.
Identifiers: ClinVar variation 3256853 (VCV003256853.2).

ClinVar aggregate classification (germline): Benign (1 of 4 stars; one submission).

Submission:

Unidad de Genómica Garrahan, Hospital de Pediatría Garrahan
Classification: Benign. Last evaluated: 2024-07-31. Review status: criteria provided, single submitter. Criteria: ACMG Guidelines, 2015. Collection method: clinical testing. Allele origin: germline. Affected: no. Observed: 71 variant alleles.
Comment: This variant is classified as Benign based on local population frequency. This variant was detected in 76% of patients studied in a panel designed for Epileptic and Developmental Encephalopathy, Progressive Myoclonus Epilepsy and Abnormal Movements and Neurodegeneration with brain iron accumulation. Number of patients: 71. Only high quality variants are reported.